The following is an entry in ClinVar:

ClinVar aggregate classification (germline): Benign/Likely benign. Review status: criteria provided, multiple submitters, no conflicts (2 of 4 stars). 7 submissions from 6 submitters: Benign (5); Likely benign (2). Last evaluated 2026-04-01.

Conditions:
Inclusion body myopathy with Paget disease of bone and frontotemporal dementia. Also called: Inclusion body myopathy with early-onset Paget disease and frontotemporal dementia. Identifiers: Orphanet 52430, MedGen C1833662, MONDO:0000507.
Frontotemporal dementia and/or amyotrophic lateral sclerosis 6 (FTDALS6). Also called: VCP-Related Amyotrophic Lateral Sclerosis/Frontotemporal Dementia; VCP-Related Amyotrophic Lateral Sclerosis. Identifiers: Orphanet 275872, Orphanet 803, MedGen C5436279, MONDO:0013501, OMIM 613954.
Inclusion body myopathy with Paget disease of bone and frontotemporal dementia type 1. Also called: Inclusion body myopathy with early-onset Paget disease and frontotemporal dementia 1; Inclusion body myopathy with early-onset Paget disease with or without frontotemporal dementia 1; MULTISYSTEM PROTEINOPATHY 1. Identifiers: MedGen C4551951, MONDO:0008178, OMIM 167320.

Allele frequency attached by ClinVar (database versions not stated): TOPMed 0.00019; gnomAD exomes 0.00028 and 0.00056; ExAC 0.00030; ESP Exome Variant Server 0.00031; gnomAD 0.00038 and 0.00040.
gnomAD v4.1: 853 of 1,614,024 alleles (0.053%); highest among the groups gnomAD compares: Non-Finnish European, 0.063%; 1 homozygote.

Submissions (7):

CeGaT Center for Human Genetics Tuebingen
Classification: Likely benign. Last evaluated: 2026-04-01. Review status: criteria provided, single submitter. Criteria: CeGaT Center For Human Genetics Tuebingen Variant Classification Criteria Version 2. Collection method: clinical testing. Allele origin: germline. Affected: yes. Observed: 3 variant alleles.
Comment: VCP: BP4, BS2

Labcorp Genetics (formerly Invitae), Labcorp
Classification: Benign for Inclusion body myopathy with Paget disease of bone and frontotemporal dementia; Frontotemporal dementia and/or amyotrophic lateral sclerosis 6. Last evaluated: 2025-12-29. Review status: criteria provided, single submitter. Criteria: Invitae Variant Classification Sherloc (09022015). Collection method: clinical testing. Allele origin: germline.

Mayo Clinic Laboratories, Mayo Clinic
Classification: Benign. Last evaluated: 2025-04-08. Review status: criteria provided, single submitter. Criteria: ACMG Guidelines, 2015. Collection method: clinical testing. Allele origin: germline. Observed: 3 variant alleles.
Comment: BS1, BS2, BP4, BP7

Blueprint Genetics
Classification: Likely benign. Last evaluated: 2024-10-08. Review status: criteria provided, single submitter. Criteria: ACMG Guidelines, 2015. Collection method: clinical testing. Allele origin: germline.

Athena Diagnostics
Classification: Benign. Last evaluated: 2021-02-01. Review status: criteria provided, single submitter. Criteria: Athena Diagnostics criteria. Collection method: clinical testing. Allele origin: unknown.

Illumina Laboratory Services, Illumina
Classification: Benign for Frontotemporal dementia and/or amyotrophic lateral sclerosis 6. Last evaluated: 2017-04-28. Review status: criteria provided, single submitter. Criteria: ICSL Variant Classification Criteria 13 December 2019. Collection method: clinical testing. Allele origin: germline.
Comment: This variant was observed as part of a predisposition screen in an ostensibly healthy population. A literature search was performed for the gene, cDNA change, and amino acid change (where applicable). No publications were found based on this search. Allele frequency data from public databases was too high to be consistent with this variant causing disease. Therefore, this variant is classified as benign.

Illumina Laboratory Services, Illumina
Classification: Benign for Inclusion body myopathy with Paget disease of bone and frontotemporal dementia type 1. Last evaluated: 2017-04-28. Review status: criteria provided, single submitter. Criteria: ICSL Variant Classification Criteria 13 December 2019. Collection method: clinical testing. Allele origin: germline.
Comment: the same text as in the submission from Illumina Laboratory Services, Illumina above.

Literature cited by the submitters: PubMed 27790088 (cited by Athena Diagnostics).

NM_007126.5(VCP):c.832T>C (p.Leu278=)

Gene: VCP (valosin containing protein; minus strand). Cytogenetic location: 9p13.3.
Variant type: single nucleotide variant.
Coding change: c.832T>C on transcript NM_007126.5 (MANE Select); coding-DNA position 832, T replaced by C.
Protein change: p.Leu278=; no amino-acid change (leucine 278 retained).
Molecular consequence: synonymous variant.
Genome position (GRCh38, 1-based): chr9:35,062,330, A>G on the plus strand (T>C on the coding strand, the complement: VCP is on the minus strand). VCF-style: chr9-35062330-A-G. GRCh37 (hg19) VCF-style: chr9-35062327-A-G.
Other names: p.Leu278=; c.697T>C, p.Leu233= (NM_001354927.2, NM_001354928.2).
Identifiers: ClinVar variation 706186 (VCV000706186.35), dbSNP rs200670526, ClinGen allele CA5039359.